The following is an entry in ClinVar:

ClinVar aggregate classification (germline): Pathogenic (1 of 4 stars; one submission).

Submission:

GeneDx
Classification: Pathogenic. Last evaluated: 2016-08-23. Review status: criteria provided, single submitter. Criteria: GeneDx Variant Classification (06012015). Collection method: clinical testing. Allele origin: germline. Affected: yes.
Comment: The c.1511-1G>A variant in the PKP2 gene has not been published previously, as a pathogenic variant or as a benign polymorphism, to our knowledge. This splice site variant destroys the canonical splice acceptor site in intron 6, causing the adjacent exon 7 to be out of frame. It is predicted to cause abnormal gene splicing, either leading to an abnormal message that is subject to nonsense-mediated mRNA decay, or to an abnormal protein product if the message is used for protein translation. Another variant affecting the same canonical splice site, c.1511-2A>G, has been reported in the Human Gene Mutation Database in association with arrhythmogenic right ventricular cardiomyopathy (Stenson et al., 2014). The c.1511-1G>A variant was not observed in approximately 6500 individuals of European and African American ancestry in the NHLBI Exome Sequencing Project, indicating it is not a common benign variant in these populations. In summary, we interpret c.1511-1G>A as a pathogenic variant.

NM_001005242.3(PKP2):c.1379-1G>A

Gene: PKP2 (plakophilin 2; minus strand). Cytogenetic location: 12p11.21.
Variant type: single nucleotide variant.
Coding change: c.1379-1G>A on transcript NM_001005242.3 (MANE Select); the canonical splice acceptor site of the intron before coding-DNA position 1379, G replaced by A.
Molecular consequence: splice acceptor variant.
Genome position (GRCh38, 1-based): chr12:32,841,206, C>T on the plus strand (G>A on the coding strand, the complement: PKP2 is on the minus strand). VCF-style: chr12-32841206-C-T. GRCh37 (hg19) VCF-style: chr12-32994140-C-T.
Other names: c.1379-1G>A (NM_001407156.1, NM_001407155.1, NM_001407161.1); c.1511-1G>A (NM_004572.4, NM_001407157.1); c.1052-1G>A (NM_001407160.1, NM_001407159.1, NM_001407158.1 and 1 more transcripts).
Identifiers: ClinVar variation 265678 (VCV000265678.2), dbSNP rs779082302, ClinGen allele CA10588547.